The following is an entry in ClinVar:

NM_175875.5(SIX5):c.1867C>A (p.Pro623Thr)

Gene: SIX5 (SIX homeobox 5; minus strand). Cytogenetic location: 19q13.32.
Variant type: single nucleotide variant.
Coding change: c.1867C>A on transcript NM_175875.5 (MANE Select); coding-DNA position 1867, C replaced by A.
Protein change: p.Pro623Thr; replaces proline 623 with threonine.
Molecular consequence: missense variant.
Genome position (GRCh38, 1-based): chr19:45,765,854, G>T on the plus strand (C>A on the coding strand, the complement: SIX5 is on the minus strand). VCF-style: chr19-45765854-G-T. GRCh37 (hg19) VCF-style: chr19-46269112-G-T.
Other names: short protein forms P623T.
Identifiers: ClinVar variation 2971081 (VCV002971081.3), dbSNP rs201346622, ClinGen allele CA406416709.

ClinVar aggregate classification (germline): Uncertain significance (1 of 4 stars; one submission).

Submission:

Labcorp Genetics (formerly Invitae), Labcorp
Classification: Uncertain significance. Last evaluated: 2023-04-15. Review status: criteria provided, single submitter. Criteria: Invitae Variant Classification Sherloc (09022015). Collection method: clinical testing. Allele origin: germline.
Comment: Advanced modeling of protein sequence and biophysical properties (such as structural, functional, and spatial information, amino acid conservation, physicochemical variation, residue mobility, and thermodynamic stability) performed at Invitae indicates that this missense variant is not expected to disrupt SIX5 protein function. This sequence change replaces proline, which is neutral and non-polar, with threonine, which is neutral and polar, at codon 623 of the SIX5 protein (p.Pro623Thr). This variant is not present in population databases (gnomAD no frequency). This variant has not been reported in the literature in individuals affected with SIX5-related conditions. In summary, the available evidence is currently insufficient to determine the role of this variant in disease. Therefore, it has been classified as a Variant of Uncertain Significance.